The following is an entry in ClinVar:

NM_001308093.3(GATA4):c.1178A>G (p.His393Arg)

Gene: GATA4 (GATA binding protein 4). Cytogenetic location: 8p23.1.
Variant type: single nucleotide variant.
Coding change: c.1178A>G on transcript NM_001308093.3 (MANE Select); coding-DNA position 1178, A replaced by G.
Protein change: p.His393Arg; replaces histidine 393 with arginine.
Molecular consequence: missense variant.
Genome position (GRCh38, 1-based): chr8:11,758,321, A>G. VCF-style: chr8-11758321-A-G. GRCh37 (hg19) VCF-style: chr8-11615830-A-G.
Other names: c.557A>G, p.His186Arg (NM_001308094.2, NM_001374273.1); c.431A>G, p.His144Arg (NM_001374274.1); c.1175A>G, p.His392Arg (NM_002052.5); short protein forms H392R, H393R, H186R, H144R.
Identifiers: ClinVar variation 518508 (VCV000518508.34), dbSNP rs766572598, ClinGen allele CA172121414.

ClinVar aggregate classification (germline): Uncertain significance. Review status: criteria provided, multiple submitters, no conflicts (2 of 4 stars). 3 submissions from 3 submitters: Uncertain significance (3). Last evaluated 2024-05-12.

Conditions:
Cardiovascular phenotype. Identifiers: MedGen CN230736.
Atrioventricular septal defect 4 (AVSD4). Identifiers: MedGen C3280781, MONDO:0013747, OMIM 614430.

Submissions (3):

Labcorp Genetics (formerly Invitae), Labcorp
Classification: Uncertain significance for Atrioventricular septal defect 4. Last evaluated: 2024-05-12. Review status: criteria provided, single submitter. Criteria: Invitae Variant Classification Sherloc (09022015). Collection method: clinical testing. Allele origin: germline.
Comment: This sequence change replaces histidine, which is basic and polar, with arginine, which is basic and polar, at codon 392 of the GATA4 protein (p.His392Arg). This variant is not present in population databases (gnomAD no frequency). This variant has not been reported in the literature in individuals affected with GATA4-related conditions. ClinVar contains an entry for this variant (Variation ID: 518508). Advanced modeling of protein sequence and biophysical properties (such as structural, functional, and spatial information, amino acid conservation, physicochemical variation, residue mobility, and thermodynamic stability) performed at Invitae indicates that this missense variant is not expected to disrupt GATA4 protein function with a negative predictive value of 80%. In summary, the available evidence is currently insufficient to determine the role of this variant in disease. Therefore, it has been classified as a Variant of Uncertain Significance.

CeGaT Center for Human Genetics Tuebingen
Classification: Uncertain significance. Last evaluated: 2022-10-01. Review status: criteria provided, single submitter. Criteria: CeGaT Center For Human Genetics Tuebingen Variant Classification Criteria Version 2. Collection method: clinical testing. Allele origin: germline. Affected: yes. Observed: 1 variant allele.
Comment: GATA4: PM2

Ambry Genetics
Classification: Uncertain significance for Cardiovascular phenotype. Last evaluated: 2016-03-15. Review status: criteria provided, single submitter. Criteria: Ambry Variant Classification Scheme 2023. Collection method: clinical testing. Allele origin: germline.
Comment: The p.H392R variant (also known as c.1175A>G), located in coding exon 6 of the GATA4 gene, results from an A to G substitution at nucleotide position 1175. The histidine at codon 392 is replaced by arginine, an amino acid with highly similar properties. This variant was not reported in population based cohorts in the following databases: Database of Single Nucleotide Polymorphisms (dbSNP), NHLBI Exome Sequencing Project (ESP), and 1000 Genomes Project. In the ESP, this variant was not observed in 6503 samples (13006 alleles) with coverage at this position. This amino acid position is well conserved in available vertebrate species; however, arginine is the reference amino acid in other vertebrate species. In addition, the in silico prediction for this alteration is inconclusive. Since supporting evidence is limited at this time, the clinical significance of this alteration remains unclear.